The following is an entry in ClinVar:

ClinVar aggregate classification (germline): Likely benign (1 of 4 stars; one submission).

Conditions:
COL11A1-related disorder. Also called: COL11A1-related disorders; COL11A1-related condition.

Submission:

PreventionGenetics, part of Exact Sciences
Classification: Likely benign for COL11A1-related condition. Last evaluated: 2026-06-02. Review status: criteria provided, single submitter. Criteria: ACMG Guidelines, 2015. Collection method: clinical testing. Allele origin: germline.
Comment: This variant is classified as likely benign based on ACMG/AMP sequence variant interpretation guidelines (Richards et al. 2015 PMID: 25741868, with internal and published modifications).

NM_001854.4(COL11A1):c.1803G>C (p.Gly601=)

Gene: COL11A1 (collagen type XI alpha 1 chain; minus strand). Cytogenetic location: 1p21.1.
Variant type: single nucleotide variant.
Coding change: c.1803G>C on transcript NM_001854.4 (MANE Select); coding-DNA position 1803, G replaced by C.
Protein change: p.Gly601=; no amino-acid change (glycine 601 retained).
Molecular consequence: synonymous variant. On other transcripts: non-coding transcript variant (1).
Genome position (GRCh38, 1-based): chr1:103,005,880, C>G on the plus strand (G>C on the coding strand, the complement: COL11A1 is on the minus strand). VCF-style: chr1-103005880-C-G. GRCh37 (hg19) VCF-style: chr1-103471436-C-G.
Other names: c.1686G>C, p.Gly562= (NM_001190709.2); c.1839G>C, p.Gly613= (NM_080629.3); c.1455G>C, p.Gly485= (NM_080630.4).
Identifiers: ClinVar variation 4994588 (VCV004994588.1).
Genomic context (GRCh38, chr1:103,005,880, plus strand): 5'-GGAATAGATGTATCTTACCCTGTGACCTTTGTCACCTGGCAGACCCGGAAGTCCATCAAA[C>G]CCTCGATCTCCCTGTAAAACCATCATCATCATCATCATCATCATCATCATCACAATTCCA-3'
Protein context (NP_001845.3, residues 591-611): PGEPGAKGDR[Gly601=]FDGLPGLPGD